The following is an entry in ClinVar:

ClinVar aggregate classification (germline): Uncertain significance (1 of 4 stars; one submission).

Conditions:
Chédiak-Higashi syndrome (CHS). Also called: Chediak-Higashi Syndrome. Identifiers: Orphanet 167, MedGen C0007965, MONDO:0008963, OMIM 214500.

Submission:

Labcorp Genetics (formerly Invitae), Labcorp
Classification: Uncertain significance for Chédiak-Higashi syndrome. Last evaluated: 2023-10-25. Review status: criteria provided, single submitter. Criteria: Invitae Variant Classification Sherloc (09022015). Collection method: clinical testing. Allele origin: germline.
Comment: This sequence change falls in intron 38 of the LYST gene. It does not directly change the encoded amino acid sequence of the LYST protein. It affects a nucleotide within the consensus splice site. This variant is not present in population databases (gnomAD no frequency). This variant has not been reported in the literature in individuals affected with LYST-related conditions. Variants that disrupt the consensus splice site are a relatively common cause of aberrant splicing (PMID: 17576681, 9536098). Algorithms developed to predict the effect of sequence changes on RNA splicing suggest that this variant is not likely to affect RNA splicing. In summary, the available evidence is currently insufficient to determine the role of this variant in disease. Therefore, it has been classified as a Variant of Uncertain Significance.

Literature cited by the submitters: PubMed 17576681; PubMed 9536098.

NM_000081.4(LYST):c.9162+3_9162+14del

Gene: LYST (lysosomal trafficking regulator; minus strand). Cytogenetic location: 1q42.3.
Variant type: Deletion.
Coding change: c.9162+3_9162+14del on transcript NM_000081.4 (MANE Select); bases 3 to 14 of the intron after coding-DNA position 9162, 12 bases deleted (GAGTAGAGGCTT).
Molecular consequence: splice donor variant.
Genome position (GRCh38, 1-based): chr1:235,728,062-235,728,073, AAGCCTCTACTC deleted on the plus strand (GAGTAGAGGCTT on the coding strand, the reverse complement: LYST is on the minus strand); deleting any 12 consecutive bases within chr1:235,728,062-235,728,074 gives the same sequence; the c. name uses the placement nearest the transcript's 3' end. VCF-style (leftmost placement, unchanged base first): chr1-235728061-TAAGCCTCTACTC-T. GRCh37 (hg19) VCF-style: chr1-235891361-TAAGCCTCTACTC-T.
Other names: c.9162+3_9162+14del (NM_001301365.1).
Identifiers: ClinVar variation 2770720 (VCV002770720.3), dbSNP rs2527505659, ClinGen allele CA2697555018.